The following is an entry in ClinVar:

ClinVar aggregate classification (germline): Likely benign. Review status: criteria provided, single submitter (1 of 4 stars). 2 submissions from 2 submitters: Likely benign (1). 1 of the submissions does not count toward it. Last evaluated 2025-11-26.

Conditions:
Fanconi anemia (FA). Also called: Fanconi's anemia. Identifiers: Orphanet 84, MedGen C0015625, MeSH D005199, MONDO:0019391.
FANCD2-related disorder. Also called: FANCD2-related condition.

Allele frequency attached by ClinVar (database versions not stated): gnomAD 0.00004; ExAC 0.00012; gnomAD exomes 0.00007 and 0.00003; 1000 Genomes Project 30x 0.00016; 1000 Genomes Project 0.00020.
gnomAD v4.1: 55 of 1,613,838 alleles (0.0034%); highest among the groups gnomAD compares: South Asian, 0.06%; 1 homozygote.

Submissions (2):

Labcorp Genetics (formerly Invitae), Labcorp
Classification: Likely benign for Fanconi anemia. Last evaluated: 2025-11-26. Review status: criteria provided, single submitter. Criteria: Invitae Variant Classification Sherloc (09022015). Collection method: clinical testing. Allele origin: germline.

PreventionGenetics, part of Exact Sciences
Classification: Likely benign for FANCD2-related condition. Last evaluated: 2022-09-28. Review status: no assertion criteria provided. Collection method: clinical testing. Allele origin: germline. Not counted in ClinVar's aggregate classification.
Comment: This variant is classified as likely benign based on ACMG/AMP sequence variant interpretation guidelines (Richards et al. 2015 PMID: 25741868, with internal and published modifications).

NM_001018115.3(FANCD2):c.3642T>A (p.Ser1214=)

Genes: FANCD2OS (FANCD2 opposite strand; minus strand), FANCD2 (FA complementation group D2; plus strand). Cytogenetic location: 3p25.3.
Variant type: single nucleotide variant.
Coding change: c.3642T>A on transcript NM_001018115.3 (MANE Select); coding-DNA position 3642, T replaced by A.
Protein change: p.Ser1214=; no amino-acid change (serine 1214 retained).
Molecular consequence: synonymous variant. On other transcripts: intron variant (1).
Genome position (GRCh38, 1-based): chr3:10,088,909, T>A. VCF-style: chr3-10088909-T-A. GRCh37 (hg19) VCF-style: chr3-10130593-T-A.
Other names: c.3642T>A, p.Ser1214= (NM_001319984.2, NM_001374254.1, NM_033084.6); c.3531T>A, p.Ser1177= (NM_001374253.1); c.*44-7378A>T (NM_173472.2).
Identifiers: ClinVar variation 1144676 (VCV001144676.12), dbSNP rs538250317, ClinGen allele CA2250465.
Genomic context (GRCh38, chr3:10,088,909, plus strand): 5'-GAGCATTCTGAAGGCCATAGAGGAGATTGCTGGTGTTGGTGTCCCAGAACTGATCAACTC[T>A]CCTAAAGATGCATCTTCCTCCACATTCCCTACACTGACCAGGTAAGGGAGTTCTTTCCTC-3'
Protein context (NP_001018125.1, residues 1204-1224): AGVGVPELIN[Ser1214=]PKDASSSTFP